The following is an entry in ClinVar:

ClinVar aggregate classification (germline): Uncertain significance (1 of 4 stars; one submission).

Conditions:
Myopathy, proximal, and ophthalmoplegia (CMYO6). Also called: CONGENITAL MYOPATHY 6 WITH OPHTHALMOPLEGIA; MYOPATHY WITH CONGENITAL JOINT CONTRACTURES, OPHTHALMOPLEGIA, AND RIMMED VACUOLES; INCLUSION BODY MYOPATHY 3, AUTOSOMAL DOMINANT. Identifiers: Orphanet 363677, Orphanet 79091, MedGen C1854106, MONDO:0011577, OMIM 605637.

Allele frequency attached by ClinVar (database versions not stated): ExAC 0.00001; gnomAD 0.00001; TOPMed 0.00001.
gnomAD v4.1: 2 of 1,613,980 alleles (0.00012%); highest among the groups gnomAD compares: African/African-American, 0.0027%; no homozygotes.

Submission:

Labcorp Genetics (formerly Invitae), Labcorp
Classification: Uncertain significance for Myopathy, proximal, and ophthalmoplegia. Last evaluated: 2023-06-03. Review status: criteria provided, single submitter. Criteria: Invitae Variant Classification Sherloc (09022015). Collection method: clinical testing. Allele origin: germline.
Comment: This variant is present in population databases (rs769626690, gnomAD 0.007%). In summary, the available evidence is currently insufficient to determine the role of this variant in disease. Therefore, it has been classified as a Variant of Uncertain Significance. Advanced modeling of protein sequence and biophysical properties (such as structural, functional, and spatial information, amino acid conservation, physicochemical variation, residue mobility, and thermodynamic stability) performed at Invitae indicates that this missense variant is expected to disrupt MYH2 protein function. This variant has not been reported in the literature in individuals affected with MYH2-related conditions. This sequence change replaces serine, which is neutral and polar, with cysteine, which is neutral and slightly polar, at codon 1556 of the MYH2 protein (p.Ser1556Cys).

NM_017534.6(MYH2):c.4667C>G (p.Ser1556Cys)

Genes: MYHAS (myosin heavy chain gene cluster antisense RNA; plus strand), MYH2 (myosin heavy chain 2; minus strand), LOC126862500 (BRD4-independent group 4 enhancer GRCh37_chr17:10427829-10429028; plus strand). Cytogenetic location: 17p13.1.
Variant type: single nucleotide variant.
Coding change: c.4667C>G on transcript NM_017534.6 (MANE Select); coding-DNA position 4667, C replaced by G.
Protein change: p.Ser1556Cys; replaces serine 1556 with cysteine.
Molecular consequence: missense variant.
Genome position (GRCh38, 1-based): chr17:10,525,061, G>C on the plus strand (C>G on the coding strand, the complement: MYH2 is on the minus strand). VCF-style: chr17-10525061-G-C. GRCh37 (hg19) VCF-style: chr17-10428378-G-C.
Other names: c.4667C>G, p.Ser1556Cys (NM_001100112.2); short protein forms S1556C.
Identifiers: ClinVar variation 3013257 (VCV003013257.3), dbSNP rs769626690, ClinGen allele CA8390573.